The following is an entry in ClinVar:

NM_002485.5(NBN):c.949A>G (p.Met317Val)

Gene: NBN (nibrin; minus strand). Cytogenetic location: 8q21.3.
Variant type: single nucleotide variant.
Coding change: c.949A>G on transcript NM_002485.5 (MANE Select); coding-DNA position 949, A replaced by G.
Protein change: p.Met317Val; replaces methionine 317 with valine.
Molecular consequence: missense variant.
Genome position (GRCh38, 1-based): chr8:89,964,455, T>C on the plus strand (A>G on the coding strand, the complement: NBN is on the minus strand). VCF-style: chr8-89964455-T-C. GRCh37 (hg19) VCF-style: chr8-90976683-T-C.
Other names: c.703A>G, p.Met235Val (NM_001024688.3); short protein forms M317V, M235V.
Identifiers: ClinVar variation 142497 (VCV000142497.35), dbSNP rs587782502, ClinGen allele CA168521.

ClinVar aggregate classification (germline): Conflicting classifications of pathogenicity. Review status: criteria provided, conflicting classifications (1 of 4 stars). 6 submissions from 6 submitters: Uncertain significance (5); Likely benign (1). Last evaluated 2025-11-30.

Conditions:
Hereditary cancer-predisposing syndrome. Also called: Neoplastic Syndromes, Hereditary; Hereditary Cancer Syndrome; Hereditary neoplastic syndrome; Tumor predisposition. Identifiers: Orphanet 140162, MedGen C0027672, MeSH D009386, MONDO:0015356.
Microcephaly, normal intelligence and immunodeficiency (NBS). Also called: Immunodeficiency, microcephaly with normal intelligence; SEEMANOVA SYNDROME II; Nijmegen breakage syndrome; Microcephaly with normal intelligence immunodeficiency and lymphoreticular malignancies; Nonsyndromal microcephaly autosomal recessive with normal intelligence; Seemanova syndrome 2. Identifiers: Orphanet 647, MedGen C0398791, MONDO:0009623, OMIM 251260.

Allele frequency attached by ClinVar (database versions not stated): ExAC 0.00001; gnomAD 0.00001; gnomAD exomes 0.00001 and 0.00002; TOPMed 0.00002.
gnomAD v4.1: 12 of 1,613,636 alleles (0.00074%); highest among the groups gnomAD compares: Middle Eastern, 0.12%; no homozygotes.

Submissions (6):

Labcorp Genetics (formerly Invitae), Labcorp
Classification: Uncertain significance for Microcephaly, normal intelligence and immunodeficiency. Last evaluated: 2025-11-30. Review status: criteria provided, single submitter. Criteria: Invitae Variant Classification Sherloc (09022015). Collection method: clinical testing. Allele origin: germline.
Comment: This sequence change replaces methionine, which is neutral and non-polar, with valine, which is neutral and non-polar, at codon 317 of the NBN protein (p.Met317Val). This variant is present in population databases (rs587782502, gnomAD 0.003%). This missense change has been observed in individual(s) with ovarian cancer (PMID: 26315354). ClinVar contains an entry for this variant (Variation ID: 142497). An algorithm developed to predict the effect of missense changes on protein structure and function outputs the following: PolyPhen-2: "Benign". The valine amino acid residue is found in multiple mammalian species, which suggests that this missense change does not adversely affect protein function. In summary, the available evidence is currently insufficient to determine the role of this variant in disease. Therefore, it has been classified as a Variant of Uncertain Significance.

GeneDx
Classification: Uncertain significance. Last evaluated: 2025-06-06. Review status: criteria provided, single submitter. Criteria: GeneDx Variant Classification Process June 2021. Collection method: clinical testing. Allele origin: germline. Affected: yes.
Comment: Not observed at significant frequency in large population cohorts (gnomAD); In silico analysis suggests that this missense variant does not alter protein structure/function; This variant is associated with the following publications: (PMID: 27050099, 26315354, 33471991, 24894818, 36346689)

Quest Diagnostics Nichols Institute San Juan Capistrano
Classification: Uncertain significance. Last evaluated: 2024-12-20. Review status: criteria provided, single submitter. Criteria: Quest Diagnostics criteria. Collection method: clinical testing. Allele origin: unknown.
Comment: The NBN c.949A>G (p.Met317Val) variant has been reported in the published literature in an individual affected with ovarian cancer (PMID: 26315354 (2015)) as well as in a reportedly healthy individual in a large scale breast cancer association study (PMID: 33471991 (2021), see also LOVD). The frequency of this variant in the general population (Genome Aggregation Database) is uninformative in the assessment of its pathogenicity. Analysis of this variant using bioinformatics tools for the prediction of the effect of amino acid changes on protein structure and function yielded predictions that this variant is benign. Based on the available information, we are unable to determine the clinical significance of this variant.

Sema4
Classification: Uncertain significance for Hereditary cancer-predisposing syndrome. Last evaluated: 2022-02-04. Review status: criteria provided, single submitter. Criteria: Sema4 Curation Guidelines. Collection method: curation. Allele origin: germline.
Comment: The NBN c.949A>G (p.M317V) variant has been reported in heterozygosity in at least one individual with ovarian cancer (PMID: 26315354). It has been reported in 0/60466 breast cancer cases and 1/53461 healthy controls by a large case-control study (PMID: 33471991). This variant was observed in 4/251266 chromosomes across the different populations included in the Genome Aggregation Database (PMID: 32461654) and has been reported in ClinVar (Variation ID: 142497). In silico tools suggest the impact of the variant on protein function is benign, though these predictions have not been confirmed by functional studies. The evidence is insufficient to meet ACMG/AMP criteria for classifying the variant as benign or pathogenic. Thus, the clinical significance of this variant is currently uncertain.

Genome-Nilou Lab
Classification: Uncertain significance for Microcephaly, normal intelligence and immunodeficiency. Last evaluated: 2021-11-07. Review status: criteria provided, single submitter. Criteria: ACMG Guidelines, 2015. Collection method: clinical testing. Allele origin: germline. Affected: no.

Ambry Genetics
Classification: Likely benign for Hereditary cancer-predisposing syndrome. Last evaluated: 2019-01-29. Review status: criteria provided, single submitter. Criteria: Ambry Variant Classification Scheme 2023. Collection method: clinical testing. Allele origin: germline.

Literature cited by the submitters: PubMed 26315354 (cited by 4 submitters); PubMed 33471991 (cited by Quest Diagnostics Nichols Institute San Juan Capistrano and Sema4).